The following is an entry in ClinVar:

ClinVar aggregate classification (germline): Benign. Review status: criteria provided, multiple submitters, no conflicts (2 of 4 stars). 4 submissions from 4 submitters: Benign (3). 1 of the submissions does not count toward it. Last evaluated 2026-02-02.

Conditions:
Palmoplantar keratoderma, nonepidermolytic, focal or diffuse (PPKNEFD). Also called: PALMOPLANTAR KERATODERMA, FOCAL OR DIFFUSE. Identifiers: Orphanet 402003, MedGen C3810394, MONDO:0014327, OMIM 615735.
KRT6C-related disorder. Also called: KRT6C-related condition.

Allele frequency attached by ClinVar (database versions not stated): 1000 Genomes Project 30x 0.24438; 1000 Genomes Project 0.25020; TOPMed 0.26345; ESP Exome Variant Server 0.26634; ExAC 0.31271; gnomAD exomes 0.31967.

Submissions (4):

Labcorp Genetics (formerly Invitae), Labcorp
Classification: Benign. Last evaluated: 2026-02-02. Review status: criteria provided, single submitter. Criteria: Invitae Variant Classification Sherloc (09022015). Collection method: clinical testing. Allele origin: germline.

Genome-Nilou Lab
Classification: Benign for Palmoplantar keratoderma, nonepidermolytic, focal or diffuse. Last evaluated: 2021-08-19. Review status: criteria provided, single submitter. Criteria: ACMG Guidelines, 2015. Collection method: clinical testing. Allele origin: germline. Affected: no.

Breakthrough Genomics
Classification: Benign. Review status: criteria provided, single submitter. Criteria: ACMG Guidelines, 2015. Collection method: not provided. Allele origin: germline. Inheritance: Autosomal dominant inheritance. Affected: yes.

PreventionGenetics, part of Exact Sciences
Classification: Benign for KRT6C-related condition. Last evaluated: 2019-09-24. Review status: no assertion criteria provided. Collection method: clinical testing. Allele origin: germline. Not counted in ClinVar's aggregate classification.
Comment: This variant is classified as benign based on ACMG/AMP sequence variant interpretation guidelines (Richards et al. 2015 PMID: 25741868, with internal and published modifications).

NM_173086.5(KRT6C):c.1503C>T (p.Ser501=)

Gene: KRT6C (keratin 6C; minus strand). Cytogenetic location: 12q13.13.
Variant type: single nucleotide variant.
Coding change: c.1503C>T on transcript NM_173086.5 (MANE Select); coding-DNA position 1503, C replaced by T.
Protein change: p.Ser501=; no amino-acid change (serine 501 retained).
Molecular consequence: synonymous variant.
Genome position (GRCh38, 1-based): chr12:52,469,254, G>A on the plus strand (C>T on the coding strand, the complement: KRT6C is on the minus strand). VCF-style: chr12-52469254-G-A. GRCh37 (hg19) VCF-style: chr12-52863038-G-A.
Other names: c.1503C>T (NM_173086.4).
Identifiers: ClinVar variation 1300090 (VCV001300090.13), dbSNP rs410562, ClinGen allele CA6581048.